The following is an entry in ClinVar:

ClinVar aggregate classification (germline): Conflicting classifications of pathogenicity. Review status: criteria provided, conflicting classifications (1 of 4 stars). 3 submissions from 3 submitters: Uncertain significance (1); Likely benign (2). Last evaluated 2025-06-25.

Conditions:
KCNQ4-related disorder. Also called: KCNQ4-related condition.
Inborn genetic diseases. Identifiers: MedGen C0950123, MeSH D030342.

Allele frequency attached by ClinVar (database versions not stated): gnomAD exomes 0.00005; ExAC 0.00008; TOPMed 0.00008; gnomAD 0.00009; ESP Exome Variant Server 0.00015.
gnomAD v4.1: 80 of 1,609,398 alleles (0.005%); highest among the groups gnomAD compares: Admixed American, 0.013%; no homozygotes.

Submissions (3):

Labcorp Genetics (formerly Invitae), Labcorp
Classification: Likely benign. Last evaluated: 2025-06-25. Review status: criteria provided, single submitter. Criteria: Invitae Variant Classification Sherloc (09022015). Collection method: clinical testing. Allele origin: germline.

PreventionGenetics, part of Exact Sciences
Classification: Likely benign for KCNQ4-related condition. Last evaluated: 2024-10-18. Review status: criteria provided, single submitter. Criteria: ACMG Guidelines, 2015. Collection method: clinical testing. Allele origin: germline.
Comment: This variant is classified as likely benign based on ACMG/AMP sequence variant interpretation guidelines (Richards et al. 2015 PMID: 25741868, with internal and published modifications).

Ambry Genetics
Classification: Uncertain significance for Inborn genetic diseases. Last evaluated: 2024-07-27. Review status: criteria provided, single submitter. Criteria: Ambry Variant Classification Scheme 2023. Collection method: clinical testing. Allele origin: germline.

NM_004700.4(KCNQ4):c.1457A>G (p.Asn486Ser)

Gene: KCNQ4 (potassium voltage-gated channel subfamily Q member 4; plus strand). Cytogenetic location: 1p34.2.
Variant type: single nucleotide variant.
Coding change: c.1457A>G on transcript NM_004700.4 (MANE Select); coding-DNA position 1457, A replaced by G.
Protein change: p.Asn486Ser; replaces asparagine 486 with serine.
Molecular consequence: missense variant.
Genome position (GRCh38, 1-based): chr1:40,831,248, A>G. VCF-style: chr1-40831248-A-G. GRCh37 (hg19) VCF-style: chr1-41296920-A-G.
Other names: c.1295A>G, p.Asn432Ser (NM_172163.3); short protein forms N486S, N432S.
Identifiers: ClinVar variation 2203894 (VCV002203894.7), dbSNP rs368785566, ClinGen allele CA794883.